The following is an entry in ClinVar:

NM_014208.3(DSPP):c.880A>G (p.Ser294Gly)

Genes: DMP1-AS1 (DMP1 and DSPP antisense RNA 1; minus strand), DSPP (dentin sialophosphoprotein; plus strand). Cytogenetic location: 4q22.1.
Variant type: single nucleotide variant.
Coding change: c.880A>G on transcript NM_014208.3 (MANE Select); coding-DNA position 880, A replaced by G.
Protein change: p.Ser294Gly; replaces serine 294 with glycine.
Molecular consequence: missense variant.
Genome position (GRCh38, 1-based): chr4:87,613,066, A>G. VCF-style: chr4-87613066-A-G. GRCh37 (hg19) VCF-style: chr4-88534218-A-G.
Other names: short protein forms S294G.
Identifiers: ClinVar variation 1969593 (VCV001969593.5), dbSNP rs1026972070, ClinGen allele CA100850033.

ClinVar aggregate classification (germline): Uncertain significance (1 of 4 stars; one submission).

Allele frequency attached by ClinVar (database versions not stated): gnomAD 0.00001; gnomAD exomes 0.00001; TOPMed below 0.00001.
gnomAD v4.1: 9 of 1,614,078 alleles (0.00056%); highest among the groups gnomAD compares: Non-Finnish European, 0.00076%; no homozygotes.

Submission:

Labcorp Genetics (formerly Invitae), Labcorp
Classification: Uncertain significance. Last evaluated: 2022-02-08. Review status: criteria provided, single submitter. Criteria: Invitae Variant Classification Sherloc (09022015). Collection method: clinical testing. Allele origin: germline.
Comment: In summary, the available evidence is currently insufficient to determine the role of this variant in disease. Therefore, it has been classified as a Variant of Uncertain Significance. Algorithms developed to predict the effect of missense changes on protein structure and function are either unavailable or do not agree on the potential impact of this missense change (SIFT: "Deleterious"; PolyPhen-2: "Possibly Damaging"; Align-GVGD: "Class C0"). This variant has not been reported in the literature in individuals affected with DSPP-related conditions. This variant is not present in population databases (gnomAD no frequency). This sequence change replaces serine, which is neutral and polar, with glycine, which is neutral and non-polar, at codon 294 of the DSPP protein (p.Ser294Gly).